The following is an entry in ClinVar:

NM_182961.4(SYNE1):c.5707G>A (p.Asp1903Asn)

Gene: SYNE1 (spectrin repeat containing nuclear envelope protein 1; minus strand). Cytogenetic location: 6q25.2.
Variant type: single nucleotide variant.
Coding change: c.5707G>A on transcript NM_182961.4 (MANE Select); coding-DNA position 5707, G replaced by A.
Protein change: p.Asp1903Asn; replaces aspartic acid 1903 with asparagine.
Molecular consequence: missense variant.
Genome position (GRCh38, 1-based): chr6:152,416,730, C>T on the plus strand (G>A on the coding strand, the complement: SYNE1 is on the minus strand). VCF-style: chr6-152416730-C-T. GRCh37 (hg19) VCF-style: chr6-152737865-C-T.
Other names: c.5728G>A, p.Asp1910Asn (NM_033071.5); short protein forms D1903N, D1910N.
Identifiers: ClinVar variation 5040979 (VCV005040979.1).

ClinVar aggregate classification (germline): Uncertain significance (1 of 4 stars; one submission).

gnomAD v4.1: 1 of 1,614,220 alleles (0.000062%); highest among the groups gnomAD compares: Non-Finnish European, 0.000085%; no homozygotes.

Submission:

CeGaT Center for Human Genetics Tuebingen
Classification: Uncertain significance. Last evaluated: 2026-09-01. Review status: criteria provided, single submitter. Criteria: CeGaT Center For Human Genetics Tuebingen Variant Classification Criteria Version 2. Collection method: clinical testing. Allele origin: germline. Affected: yes. Observed: 1 variant allele.
Comment: SYNE1: PM2, BP4